The following is an entry in ClinVar:

ClinVar aggregate classification (germline): Uncertain significance. Review status: criteria provided, multiple submitters, no conflicts (2 of 4 stars). 2 submissions from 2 submitters: Uncertain significance (2). Last evaluated 2026-07-17.

Conditions:
Hereditary cancer-predisposing syndrome. Also called: Tumor predisposition; Hereditary neoplastic syndrome; Neoplastic Syndromes, Hereditary; Hereditary Cancer Syndrome. Identifiers: Orphanet 140162, MedGen C0027672, MeSH D009386, MONDO:0015356.

Allele frequency attached by ClinVar (database versions not stated): ExAC 0.00001.

Submissions (2):

Ambry Genetics
Classification: Uncertain significance for Hereditary cancer-predisposing syndrome. Last evaluated: 2026-07-17. Review status: criteria provided, single submitter. Criteria: Ambry Variant Classification Scheme 2023. Collection method: clinical testing. Allele origin: germline.
Comment: The p.T442A variant (also known as c.1324A>G), located in coding exon 9 of the FH gene, results from an A to G substitution at nucleotide position 1324. The threonine at codon 442 is replaced by alanine, an amino acid with similar properties. This amino acid position is conserved. In addition, the in silico prediction for this alteration is inconclusive. Based on the available evidence, the clinical significance of this variant remains unclear.

Labcorp Genetics (formerly Invitae), Labcorp
Classification: Uncertain significance. Last evaluated: 2023-12-11. Review status: criteria provided, single submitter. Criteria: Invitae Variant Classification Sherloc (09022015). Collection method: clinical testing. Allele origin: germline.
Comment: This sequence change replaces threonine, which is neutral and polar, with alanine, which is neutral and non-polar, at codon 442 of the FH protein (p.Thr442Ala). This variant is present in population databases (rs771503401, gnomAD no frequency). This variant has not been reported in the literature in individuals affected with FH-related conditions. ClinVar contains an entry for this variant (Variation ID: 852390). Advanced modeling of protein sequence and biophysical properties (such as structural, functional, and spatial information, amino acid conservation, physicochemical variation, residue mobility, and thermodynamic stability) has been performed at Invitae for this missense variant, however the output from this modeling did not meet the statistical confidence thresholds required to predict the impact of this variant on FH protein function. In summary, the available evidence is currently insufficient to determine the role of this variant in disease. Therefore, it has been classified as a Variant of Uncertain Significance.

NM_000143.4(FH):c.1324A>G (p.Thr442Ala)

Gene: FH (fumarate hydratase; minus strand). Cytogenetic location: 1q43.
Variant type: single nucleotide variant.
Coding change: c.1324A>G on transcript NM_000143.4 (MANE Select); coding-DNA position 1324, A replaced by G.
Protein change: p.Thr442Ala; replaces threonine 442 with alanine.
Molecular consequence: missense variant.
Genome position (GRCh38, 1-based): chr1:241,500,503, T>C on the plus strand (A>G on the coding strand, the complement: FH is on the minus strand). VCF-style: chr1-241500503-T-C. GRCh37 (hg19) VCF-style: chr1-241663803-T-C.
Other names: short protein forms T442A.
Identifiers: ClinVar variation 852390 (VCV000852390.11), dbSNP rs771503401, ClinGen allele CA1478479.
Genomic context (GRCh38, chr1:241,500,503, plus strand): 5'-GAGGATTGAGAGCTGTCACCAACATTAGAGACTCATTCATCAGCTTGTTGATCCTTTCTG[T>C]ATTGGCCTGGATTCCCACCACGCAGTTTTCTGTAAAGGAAACTGAAGCATCCCCCAGCAG-3'
Protein context (NP_000134.2, residues 432-452): ENCVVGIQAN[Thr442Ala]ERINKLMNES